The following is an entry in ClinVar:

ClinVar aggregate classification (germline): Uncertain significance (1 of 4 stars; one submission).

Conditions:
Hereditary cancer-predisposing syndrome. Also called: Hereditary neoplastic syndrome; Tumor predisposition; Hereditary Cancer Syndrome; Neoplastic Syndromes, Hereditary. Identifiers: Orphanet 140162, MedGen C0027672, MeSH D009386, MONDO:0015356.

gnomAD v4.1: 1 of 1,614,018 alleles (0.000062%); highest among the groups gnomAD compares: Non-Finnish European, 0.000085%; no homozygotes.

Submission:

Ambry Genetics
Classification: Uncertain significance for Hereditary cancer-predisposing syndrome. Last evaluated: 2023-06-16. Review status: criteria provided, single submitter. Criteria: Ambry Variant Classification Scheme 2023. Collection method: clinical testing. Allele origin: germline.
Comment: The p.A2298E variant (also known as c.6893C>A), located in coding exon 15 of the APC gene, results from a C to A substitution at nucleotide position 6893. The alanine at codon 2298 is replaced by glutamic acid, an amino acid with dissimilar properties. This amino acid position is conserved. In addition, in silico predictors for this gene do not accurately predict pathogenicity. Since supporting evidence is limited at this time, the clinical significance of this alteration remains unclear.

NM_000038.6(APC):c.6893C>A (p.Ala2298Glu)

Gene: APC (APC regulator of Wnt signaling pathway; plus strand). Cytogenetic location: 5q22.2.
Variant type: single nucleotide variant.
Coding change: c.6893C>A on transcript NM_000038.6 (MANE Select); coding-DNA position 6893, C replaced by A.
Protein change: p.Ala2298Glu; replaces alanine 2298 with glutamic acid.
Molecular consequence: missense variant. On other transcripts: non-coding transcript variant (2).
Genome position (GRCh38, 1-based): chr5:112,842,487, C>A. VCF-style: chr5-112842487-C-A. GRCh37 (hg19) VCF-style: chr5-112178184-C-A.
Other names: c.6893C>A, p.Ala2298Glu (NM_001127510.3, NM_001354895.2, NM_001407450.1); c.6839C>A, p.Ala2280Glu (NM_001127511.3); c.6947C>A, p.Ala2316Glu (NM_001354896.2, NM_001407447.1, NM_001407448.1 and 1 more transcripts); c.6923C>A, p.Ala2308Glu (NM_001354897.2); c.6818C>A, p.Ala2273Glu (NM_001354898.2); c.6809C>A, p.Ala2270Glu (NM_001354899.2); c.6770C>A, p.Ala2257Glu (NM_001354900.2); c.6716C>A, p.Ala2239Glu (NM_001354901.2, NM_001407453.1); and 11 more; short protein forms A2015E, A2239E, A2270E, A2169E, A2197E, A2215E, A2291E, A2298E.
Identifiers: ClinVar variation 2586968 (VCV002586968.2), dbSNP rs1554087829, ClinGen allele CA16036373.